The following is an entry in ClinVar:

NM_021930.6(RINT1):c.479C>G (p.Ala160Gly)

Gene: RINT1 (RAD50 interactor 1; plus strand). Cytogenetic location: 7q22.3.
Variant type: single nucleotide variant.
Coding change: c.479C>G on transcript NM_021930.6 (MANE Select); coding-DNA position 479, C replaced by G.
Protein change: p.Ala160Gly; replaces alanine 160 with glycine.
Molecular consequence: missense variant. On other transcripts: 5 prime UTR variant (3), non-coding transcript variant (1).
Genome position (GRCh38, 1-based): chr7:105,542,613, C>G. VCF-style: chr7-105542613-C-G. GRCh37 (hg19) VCF-style: chr7-105183060-C-G.
Other names: c.245C>G, p.Ala82Gly (NM_001346599.2); c.-541C>G (NM_001346600.2); c.-444C>G (NM_001346601.2); c.-64C>G (NM_001346603.2); short protein forms A160G, A82G.
Identifiers: ClinVar variation 1743155 (VCV001743155.2), dbSNP rs747182016, ClinGen allele CA368803876.

ClinVar aggregate classification (germline): Uncertain significance (1 of 4 stars; one submission).

Submission:

Ambry Genetics
Classification: Uncertain significance. Last evaluated: 2022-05-16. Review status: criteria provided, single submitter. Criteria: Ambry Variant Classification Scheme 2023. Collection method: clinical testing. Allele origin: germline.
Comment: The p.A160G variant (also known as c.479C>G), located in coding exon 4 of the RINT1 gene, results from a C to G substitution at nucleotide position 479. The alanine at codon 160 is replaced by glycine, an amino acid with similar properties. This amino acid position is conserved. In addition, this alteration is predicted to be tolerated by in silico analysis. Since supporting evidence is limited at this time, the clinical significance of this alteration remains unclear.